The following is an entry in ClinVar:

ClinVar aggregate classification (germline): Uncertain significance (1 of 4 stars; one submission).

Conditions:
PLXNA1-related disorder. Also called: PLXNA1-related condition.

gnomAD v4.1: 1 of 1,613,572 alleles (0.000062%); highest among the groups gnomAD compares: Admixed American, 0.0017%; no homozygotes.

Submission:

PreventionGenetics, part of Exact Sciences
Classification: Uncertain significance for PLXNA1-related condition. Last evaluated: 2026-08-10. Review status: criteria provided, single submitter. Criteria: ACMG Guidelines, 2015. Collection method: clinical testing. Allele origin: germline.
Comment: The PLXNA1 c.791A>C variant is predicted to result in the amino acid substitution p.Asp264Ala. To our knowledge, this variant has not been reported in the literature. This variant is reported in 0.0029% of alleles in individuals of Latino descent in gnomAD. At this time, the clinical significance of this variant is uncertain due to the absence of conclusive functional and genetic evidence.

NM_032242.4(PLXNA1):c.791A>C (p.Asp264Ala)

Gene: PLXNA1 (plexin A1; plus strand). Cytogenetic location: 3q21.3.
Variant type: single nucleotide variant.
Coding change: c.791A>C on transcript NM_032242.4 (MANE Select); coding-DNA position 791, A replaced by C.
Protein change: p.Asp264Ala; replaces aspartic acid 264 with alanine.
Molecular consequence: missense variant.
Genome position (GRCh38, 1-based): chr3:126,989,384, A>C. VCF-style: chr3-126989384-A-C. GRCh37 (hg19) VCF-style: chr3-126708227-A-C.
Other names: short protein forms D264A.
Identifiers: ClinVar variation 4992745 (VCV004992745.1).